The following is an entry in ClinVar:

ClinVar aggregate classification (germline): Uncertain significance (1 of 4 stars; one submission).

gnomAD v4.1: 10 of 1,370,008 alleles (0.00073%); highest among the groups gnomAD compares: Non-Finnish European, 0.00085%; no homozygotes.

Submission:

Labcorp Genetics (formerly Invitae), Labcorp
Classification: Uncertain significance. Last evaluated: 2024-07-07. Review status: criteria provided, single submitter. Criteria: Invitae Variant Classification Sherloc (09022015). Collection method: clinical testing. Allele origin: germline.
Comment: This sequence change replaces glycine, which is neutral and non-polar, with glutamic acid, which is acidic and polar, at codon 324 of the ARID1B protein (p.Gly324Glu). This variant is not present in population databases (gnomAD no frequency). This variant has not been reported in the literature in individuals affected with ARID1B-related conditions. Advanced modeling of protein sequence and biophysical properties (such as structural, functional, and spatial information, amino acid conservation, physicochemical variation, residue mobility, and thermodynamic stability) performed at Invitae indicates that this missense variant is not expected to disrupt ARID1B protein function with a negative predictive value of 95%. In summary, the available evidence is currently insufficient to determine the role of this variant in disease. Therefore, it has been classified as a Variant of Uncertain Significance.

NM_001374828.1(ARID1B):c.1220G>A (p.Gly407Glu)

Gene: ARID1B (AT-rich interaction domain 1B; plus strand). Cytogenetic location: 6q25.3.
Variant type: single nucleotide variant.
Coding change: c.1220G>A on transcript NM_001374828.1 (MANE Select); coding-DNA position 1220, G replaced by A.
Protein change: p.Gly407Glu; replaces glycine 407 with glutamic acid.
Molecular consequence: missense variant.
Genome position (GRCh38, 1-based): chr6:156,778,900, G>A. VCF-style: chr6-156778900-G-A. GRCh37 (hg19) VCF-style: chr6-157100034-G-A.
Other names: c.1220G>A, p.Gly407Glu (NM_001371656.1, NM_001374820.1, NM_017519.3); short protein forms G407E.
Identifiers: ClinVar variation 3719892 (VCV003719892.2).